The following is an entry in ClinVar:

ClinVar aggregate classification (germline): Pathogenic (0 of 4 stars; one submission).

Conditions:
Corpus callosum, agenesis of. Also called: Isolated corpus callosum agenesis; Agenesis of the corpus callosum; Corpus callosum agenesis; Mental retardation hypoplastic corpus callosum preauricular tag; Da silva syndrome. Identifiers: Orphanet 200, MedGen C0175754, MONDO:0009022, OMIM 217990, HP:0001274.

Submission:

Neurogenetics Research; Murdoch Childrens Research Institute
Classification: Pathogenic for Corpus callosum, agenesis of. Last evaluated: 2016-01-01. Review status: no assertion criteria provided. Collection method: research. Allele origin: germline. Affected: yes.
Comment: Mutations in DCC can cause either agenesis of the corpus callosum, mirror movements or both phenotypes

NM_005215.4(DCC):c.1790G>C (p.Arg597Pro)

Gene: DCC (DCC netrin 1 receptor; plus strand). Cytogenetic location: 18q21.2.
Variant type: single nucleotide variant.
Coding change: c.1790G>C on transcript NM_005215.4 (MANE Select); coding-DNA position 1790, G replaced by C.
Protein change: p.Arg597Pro; replaces arginine 597 with proline.
Molecular consequence: missense variant.
Genome position (GRCh38, 1-based): chr18:53,207,746, G>C. VCF-style: chr18-53207746-G-C. GRCh37 (hg19) VCF-style: chr18-50734116-G-C.
Other names: short protein forms R597P.
Identifiers: ClinVar variation 375284 (VCV000375284.1), dbSNP rs1057519056, ClinGen allele CA16044032.